The following is an entry in ClinVar:

NM_002691.4(POLD1):c.1576C>T (p.Leu526Phe)

Gene: POLD1 (DNA polymerase delta 1, catalytic subunit; plus strand). Cytogenetic location: 19q13.33.
Variant type: single nucleotide variant.
Coding change: c.1576C>T on transcript NM_002691.4 (MANE Select); coding-DNA position 1576, C replaced by T.
Protein change: p.Leu526Phe; replaces leucine 526 with phenylalanine.
Molecular consequence: missense variant. On other transcripts: non-coding transcript variant (1).
Genome position (GRCh38, 1-based): chr19:50,407,064, C>T. VCF-style: chr19-50407064-C-T. GRCh37 (hg19) VCF-style: chr19-50910321-C-T.
Other names: c.1576C>T, p.Leu526Phe (NM_001256849.1, NM_001308632.1); c.1576C>T (NM_002691.2); short protein forms L526F.
Identifiers: ClinVar variation 2157998 (VCV002157998.5), dbSNP rs2038918892, ClinGen allele CA406980895.
Genomic context (GRCh38, chr19:50,407,064, plus strand): 5'-CGCCGCCTGGCTGTGTACTGCCTGAAGGATGCCTACCTGCCACTGCGGCTGCTGGAGCGG[C>T]TCATGGTGCTGGTGAACGCCGTGGAGATGGCGAGGGTCACTGGCGTGCCCCTCAGCTACC-3'
Protein context (NP_002682.2, residues 516-536): AYLPLRLLER[Leu526Phe]MVLVNAVEMA

ClinVar aggregate classification (germline): Uncertain significance. Review status: criteria provided, multiple submitters, no conflicts (2 of 4 stars). 2 submissions from 2 submitters: Uncertain significance (2). Last evaluated 2026-07-28.

Conditions:
Hereditary cancer-predisposing syndrome. Also called: Tumor predisposition; Hereditary Cancer Syndrome; Hereditary neoplastic syndrome; Neoplastic Syndromes, Hereditary. Identifiers: Orphanet 140162, MedGen C0027672, MeSH D009386, MONDO:0015356.
POLD1-related polyposis and colorectal cancer syndrome (CRCS10). Also called: Colorectal cancer 10; Colorectal cancer, susceptibility to, 10; COLORECTAL CANCER, SUSCEPTIBILITY TO, ON CHROMOSOME 19q. Identifiers: Orphanet 220460, MedGen C2675481, MONDO:0012953, OMIM 612591.

Allele frequency attached by ClinVar (database versions not stated): gnomAD exomes below 0.00001.
gnomAD v4.1: 1 of 1,613,842 alleles (0.000062%); highest among the groups gnomAD compares: African/African-American, 0.0013%; no homozygotes.

Submissions (2):

Ambry Genetics
Classification: Uncertain significance for Hereditary cancer-predisposing syndrome. Last evaluated: 2026-07-28. Review status: criteria provided, single submitter. Criteria: Ambry Variant Classification Scheme 2023. Collection method: clinical testing. Allele origin: germline.
Comment: The p.L526F variant (also known as c.1576C>T), located in coding exon 12 of the POLD1 gene, results from a C to T substitution at nucleotide position 1576. The leucine at codon 526 is replaced by phenylalanine, an amino acid with highly similar properties. This amino acid position is conserved. In addition, the in silico prediction for this alteration is inconclusive. Based on the available evidence, the clinical significance of this variant remains unclear.

Labcorp Genetics (formerly Invitae), Labcorp
Classification: Uncertain significance for POLD1-related polyposis and colorectal cancer syndrome. Last evaluated: 2025-07-21. Review status: criteria provided, single submitter. Criteria: Invitae Variant Classification Sherloc (09022015). Collection method: clinical testing. Allele origin: germline.
Comment: This sequence change replaces leucine, which is neutral and non-polar, with phenylalanine, which is neutral and non-polar, at codon 526 of the POLD1 protein (p.Leu526Phe). This variant is not present in population databases (gnomAD no frequency). This variant has not been reported in the literature in individuals affected with POLD1-related conditions. ClinVar contains an entry for this variant (Variation ID: 2157998). Invitae Evidence Modeling of protein sequence and biophysical properties (such as structural, functional, and spatial information, amino acid conservation, physicochemical variation, residue mobility, and thermodynamic stability) indicates that this missense variant is expected to disrupt POLD1 protein function with a positive predictive value of 80%. In summary, the available evidence is currently insufficient to determine the role of this variant in disease. Therefore, it has been classified as a Variant of Uncertain Significance.